The following is an entry in ClinVar:

NM_022124.6(CDH23):c.2328del (p.Thr777fs)

Gene: CDH23 (cadherin related 23; plus strand). Cytogenetic location: 10q22.1.
Variant type: Deletion.
Coding change: c.2328del on transcript NM_022124.6 (MANE Select); coding-DNA position 2328, one base deleted (C; older notation c.2328delC).
Protein change: p.Thr777fs; shifts the reading frame from threonine 777.
Molecular consequence: frameshift variant.
Genome position (GRCh38, 1-based): chr10:71,695,456, C deleted; the last of 4 consecutive C bases (chr10:71,695,453-71,695,456); deleting any one gives the same sequence. VCF-style (leftmost placement, unchanged base first): chr10-71695452-AC-A. GRCh37 (hg19) VCF-style: chr10-73455209-AC-A.
Other names: c.2328del, p.Thr777fs (NM_001171930.2, NM_001171931.2); c.2328del (NM_022124.5); short protein forms T777fs.
Identifiers: ClinVar variation 2009133 (VCV002009133.6), dbSNP rs2494021726, ClinGen allele CA2580081831.

ClinVar aggregate classification (germline): Pathogenic/Likely pathogenic. Review status: criteria provided, multiple submitters, no conflicts (2 of 4 stars). 2 submissions from 2 submitters: Pathogenic (1); Likely pathogenic (1). Last evaluated 2025-02-25.

Conditions:
Usher syndrome type 1 (USH1). Also called: RETINITIS PIGMENTOSA AND CONGENITAL DEAFNESS. Identifiers: Orphanet 231169, Orphanet 886, MedGen C1568247, MONDO:0010168, OMIM 276900.

Submissions (2):

Natera, Inc.
Classification: Likely pathogenic for Usher syndrome type 1. Last evaluated: 2025-02-25. Review status: criteria provided, single submitter. Criteria: Natera Variant Classification Schema (03/2026). Collection method: clinical testing. Allele origin: germline.
Comment: The c.2328del variant in CDH23 is a frameshift variant predicted to shift the reading frame beginning at codon 777 and leads to a stop codon 14 codons downstream. This variant is expected to result in nonsense mediated decay, truncation, or a dysfunctional protein product. This variant is rare in the general population with a frequency below the threshold expected for the associated phenotype(s). Given the available evidence, this variant is classified as Likely Pathogenic.

Labcorp Genetics (formerly Invitae), Labcorp
Classification: Pathogenic. Last evaluated: 2022-09-26. Review status: criteria provided, single submitter. Criteria: Invitae Variant Classification Sherloc (09022015). Collection method: clinical testing. Allele origin: germline.
Comment: This variant has not been reported in the literature in individuals affected with CDH23-related conditions. This sequence change creates a premature translational stop signal (p.Thr777Argfs*14) in the CDH23 gene. It is expected to result in an absent or disrupted protein product. Loss-of-function variants in CDH23 are known to be pathogenic (PMID: 11138009, 21940737). This variant is not present in population databases (gnomAD no frequency). For these reasons, this variant has been classified as Pathogenic.

Literature cited by the submitters: PubMed 11138009 (cited by Labcorp Genetics (formerly Invitae), Labcorp); PubMed 21940737 (cited by Labcorp Genetics (formerly Invitae), Labcorp).